The following is an entry in ClinVar:

ClinVar aggregate classification (germline): Benign/Likely benign. Review status: criteria provided, multiple submitters, no conflicts (2 of 4 stars). 13 submissions from 12 submitters: Benign (10); Likely benign (3). Last evaluated 2026-02-04.

Conditions:
Fibromuscular dysplasia, multifocal. Identifiers: MedGen C5543412, MONDO:0859151, OMIM 619329.
Ehlers-Danlos syndrome, classic type, 1 (EDSCL1). Also called: Ehlers-Danlos syndrome, type 1; Ehlers-Danlos Syndrome, Classic Type, COL5A1-Related; EDS I; EHLERS-DANLOS SYNDROME, GRAVIS TYPE; EHLERS-DANLOS SYNDROME, SEVERE CLASSIC TYPE. Identifiers: MedGen C0268335, MONDO:0019567, OMIM 130000.
Ehlers-Danlos syndrome (EDS). Identifiers: Orphanet 98249, MedGen C0013720, MONDO:0020066.
Ehlers-Danlos syndrome, classic type (cEDS). Identifiers: Orphanet 287, MedGen C4225429, MONDO:0007522.
Familial thoracic aortic aneurysm and aortic dissection (TAAD). Also called: Thoracic aortic aneurysms and dissections. Identifiers: Orphanet 91387, MedGen C4707243, MONDO:0019625.

Allele frequency attached by ClinVar (database versions not stated): gnomAD 0.00725 and 0.00781; gnomAD exomes 0.00068 and 0.00186; ExAC 0.00244; 1000 Genomes Project 0.00639; 1000 Genomes Project 30x 0.00640; TOPMed 0.00818; ESP Exome Variant Server 0.00838.
gnomAD v4.1: 2,165 of 1,613,276 alleles (0.13%); highest among the groups gnomAD compares: African/African-American, 2.4%; 29 homozygotes.

Submissions (13):

Labcorp Genetics (formerly Invitae), Labcorp
Classification: Benign for Ehlers-Danlos syndrome, classic type, 1. Last evaluated: 2026-02-04. Review status: criteria provided, single submitter. Criteria: Invitae Variant Classification Sherloc (09022015). Collection method: clinical testing. Allele origin: germline.

Molecular Diagnostic Laboratory for Inherited Cardiovascular Disease, Montreal Heart Institute
Classification: Benign. Last evaluated: 2025-04-09. Review status: criteria provided, single submitter. Criteria: ACMG Guidelines, 2015. Collection method: clinical testing. Allele origin: germline. Affected: no.

ARUP Laboratories, Molecular Genetics and Genomics, ARUP Laboratories
Classification: Benign. Last evaluated: 2024-11-18. Review status: criteria provided, single submitter. Criteria: ARUP Molecular Germline Variant Investigation Process 2024. Collection method: clinical testing. Allele origin: germline.

Women's Health and Genetics/Laboratory Corporation of America, LabCorp
Classification: Benign. Last evaluated: 2023-07-21. Review status: criteria provided, single submitter. Criteria: LabCorp Variant Classification Summary - May 2015. Collection method: clinical testing. Allele origin: germline.

Mayo Clinic Laboratories, Mayo Clinic
Classification: Benign. Last evaluated: 2022-12-14. Review status: criteria provided, single submitter. Criteria: ACMG Guidelines, 2015. Collection method: clinical testing. Allele origin: germline. Observed: 11 variant alleles.

Genome-Nilou Lab
Classification: Benign for Ehlers-Danlos syndrome, classic type, 1. Last evaluated: 2022-03-15. Review status: criteria provided, single submitter. Criteria: ACMG Guidelines, 2015. Collection method: clinical testing. Allele origin: germline. Affected: no.

Genome-Nilou Lab
Classification: Benign for Fibromuscular dysplasia, multifocal. Last evaluated: 2022-03-15. Review status: criteria provided, single submitter. Criteria: ACMG Guidelines, 2015. Collection method: clinical testing. Allele origin: germline. Affected: no.

Fulgent Genetics
Classification: Likely benign for Ehlers-Danlos syndrome, classic type, 1; Fibromuscular dysplasia, multifocal. Last evaluated: 2022-02-14. Review status: criteria provided, single submitter. Criteria: ACMG Guidelines, 2015. Collection method: clinical testing. Allele origin: unknown.

Genome Diagnostics Laboratory, The Hospital for Sick Children
Classification: Likely benign for Ehlers-Danlos syndrome. Last evaluated: 2021-07-13. Review status: criteria provided, single submitter. Criteria: ACMG Guidelines, 2015. Collection method: clinical testing. Allele origin: germline.

Illumina Laboratory Services, Illumina
Classification: Benign for Ehlers-Danlos syndrome, classic type, 1. Last evaluated: 2018-01-13. Review status: criteria provided, single submitter. Criteria: ICSL Variant Classification Criteria 13 December 2019. Collection method: clinical testing. Allele origin: germline.
Comment: This variant was observed in the ICSL laboratory as part of a predisposition screen in an ostensibly healthy population. It had not been previously curated by ICSL or reported in the Human Gene Mutation Database (HGMD: prior to June 1st, 2018), and was therefore a candidate for classification through an automated scoring system. Utilizing variant allele frequency, disease prevalence and penetrance estimates, and inheritance mode, an automated score was calculated to assess if this variant is too frequent to cause the disease. Based on the score and internal cut-off values, a variant classified as benign is not then subjected to further curation. The score for this variant resulted in a classification of benign for this disease.

Ambry Genetics
Classification: Benign for Familial thoracic aortic aneurysm and aortic dissection. Last evaluated: 2014-12-29. Review status: criteria provided, single submitter. Criteria: Ambry Variant Classification Scheme 2023. Collection method: clinical testing. Allele origin: germline.

GeneDx
Classification: Benign. Last evaluated: 2014-01-12. Review status: criteria provided, single submitter. Criteria: GeneDx Variant Classification (06012015). Collection method: clinical testing. Allele origin: germline. Affected: yes.
Comment: This variant is considered likely benign or benign based on one or more of the following criteria: it is a conservative change, it occurs at a poorly conserved position in the protein, it is predicted to be benign by multiple in silico algorithms, and/or has population frequency not consistent with disease.

Breakthrough Genomics
Classification: Likely benign. Review status: criteria provided, single submitter. Criteria: ACMG Guidelines, 2015. Collection method: not provided. Allele origin: germline. Inheritance: Autosomal dominant inheritance. Affected: yes.

NM_000093.5(COL5A1):c.5151C>T (p.Asp1717=)

Genes: COL5A1 (collagen type V alpha 1 chain; plus strand), LOC101448202 (uncharacterized LOC101448202; minus strand). Cytogenetic location: 9q34.3.
Variant type: single nucleotide variant.
Coding change: c.5151C>T on transcript NM_000093.5 (MANE Select); coding-DNA position 5151, C replaced by T.
Protein change: p.Asp1717=; no amino-acid change (aspartic acid 1717 retained).
Molecular consequence: synonymous variant.
Genome position (GRCh38, 1-based): chr9:134,834,985, C>T. VCF-style: chr9-134834985-C-T. GRCh37 (hg19) VCF-style: chr9-137726831-C-T.
Other names: p.D1717D:GAC>GAT; p.Asp1717=; c.5151C>T, p.Asp1717= (NM_001278074.1).
Identifiers: ClinVar variation 136911 (VCV000136911.38), dbSNP rs61729558, ClinGen allele CA290311.